The following is an entry in ClinVar:

ClinVar aggregate classification (germline): Likely benign. Review status: criteria provided, multiple submitters, no conflicts (2 of 4 stars). 3 submissions from 3 submitters: Likely benign (3). Last evaluated 2024-12-19.

Conditions:
ADGRV1-related disorder. Also called: ADGRV1-related condition; ADGRV1-related disorders.

Allele frequency attached by ClinVar (database versions not stated): TOPMed 0.00009; 1000 Genomes Project 0.00040; ExAC 0.00005; 1000 Genomes Project 30x 0.00047.
gnomAD v4.1: 26 of 1,559,590 alleles (0.0017%); highest among the groups gnomAD compares: African/African-American, 0.032%; no homozygotes.

Submissions (3):

PreventionGenetics, part of Exact Sciences
Classification: Likely benign for ADGRV1-related condition. Last evaluated: 2024-12-19. Review status: criteria provided, single submitter. Criteria: ACMG Guidelines, 2015. Collection method: clinical testing. Allele origin: germline.
Comment: This variant is classified as likely benign based on ACMG/AMP sequence variant interpretation guidelines (Richards et al. 2015 PMID: 25741868, with internal and published modifications).

Labcorp Genetics (formerly Invitae), Labcorp
Classification: Likely benign. Last evaluated: 2023-10-16. Review status: criteria provided, single submitter. Criteria: Invitae Variant Classification Sherloc (09022015). Collection method: clinical testing. Allele origin: germline.

Blueprint Genetics
Classification: Likely benign. Last evaluated: 2022-04-07. Review status: criteria provided, single submitter. Criteria: ACMG Guidelines, 2015. Collection method: clinical testing. Allele origin: germline.

NM_032119.4(ADGRV1):c.6G>T (p.Ser2=)

Gene: ADGRV1 (adhesion G protein-coupled receptor V1; plus strand). Cytogenetic location: 5q14.3.
Variant type: single nucleotide variant.
Coding change: c.6G>T on transcript NM_032119.4 (MANE Select); coding-DNA position 6, G replaced by T.
Protein change: p.Ser2=; no amino-acid change (serine 2 retained).
Molecular consequence: synonymous variant. On other transcripts: non-coding transcript variant (1).
Genome position (GRCh38, 1-based): chr5:90,558,901, G>T. VCF-style: chr5-90558901-G-T. GRCh37 (hg19) VCF-style: chr5-89854718-G-T.
Identifiers: ClinVar variation 740246 (VCV000740246.11), dbSNP rs556739703, ClinGen allele CA3338343.